The following is an entry in ClinVar:

NM_004168.4(SDHA):c.472A>G (p.Met158Val)

Gene: SDHA (succinate dehydrogenase complex flavoprotein subunit A; plus strand). Cytogenetic location: 5p15.33.
Variant type: single nucleotide variant.
Coding change: c.472A>G on transcript NM_004168.4 (MANE Select); coding-DNA position 472, A replaced by G.
Protein change: p.Met158Val; replaces methionine 158 with valine.
Molecular consequence: missense variant.
Genome position (GRCh38, 1-based): chr5:225,898, A>G. VCF-style: chr5-225898-A-G. GRCh37 (hg19) VCF-style: chr5-226013-A-G.
Other names: c.328A>G, p.Met110Val (NM_001294332.2); c.472A>G, p.Met158Val (NM_001330758.2); c.472A>G (NM_004168.2); short protein forms M110V, M158V.
Identifiers: ClinVar variation 1395326 (VCV001395326.8), dbSNP rs2126549328, ClinGen allele CA359009869.

ClinVar aggregate classification (germline): Uncertain significance. Review status: criteria provided, multiple submitters, no conflicts (2 of 4 stars). 2 submissions from 2 submitters: Uncertain significance (2). Last evaluated 2025-10-15.

Conditions:
Hereditary cancer-predisposing syndrome. Also called: Tumor predisposition; Hereditary Cancer Syndrome; Hereditary neoplastic syndrome; Neoplastic Syndromes, Hereditary. Identifiers: Orphanet 140162, MedGen C0027672, MeSH D009386, MONDO:0015356.
Mitochondrial complex II deficiency, nuclear type 1. Also called: SUCCINATE CoQ REDUCTASE DEFICIENCY. Identifiers: Orphanet 3208, MedGen C5700310, MONDO:0100294, OMIM 252011.
Pheochromocytoma/paraganglioma syndrome 5. Also called: Paragangliomas 5; SDHA-Related Hereditary Paraganglioma-Pheochromocytoma Syndrome. Identifiers: Orphanet 29072, MedGen C3279992, MONDO:0013602, OMIM 614165.

Submissions (2):

Labcorp Genetics (formerly Invitae), Labcorp
Classification: Uncertain significance for Pheochromocytoma/paraganglioma syndrome 5; Mitochondrial complex II deficiency, nuclear type 1. Last evaluated: 2025-10-15. Review status: criteria provided, single submitter. Criteria: Invitae Variant Classification Sherloc (09022015). Collection method: clinical testing. Allele origin: germline.
Comment: This sequence change replaces methionine, which is neutral and non-polar, with valine, which is neutral and non-polar, at codon 158 of the SDHA protein (p.Met158Val). This variant is not present in population databases (gnomAD no frequency). This variant has not been reported in the literature in individuals affected with SDHA-related conditions. ClinVar contains an entry for this variant (Variation ID: 1395326). Invitae Evidence Modeling of protein sequence and biophysical properties (such as structural, functional, and spatial information, amino acid conservation, physicochemical variation, residue mobility, and thermodynamic stability) indicates that this missense variant is not expected to disrupt SDHA protein function with a negative predictive value of 95%. In summary, the available evidence is currently insufficient to determine the role of this variant in disease. Therefore, it has been classified as a Variant of Uncertain Significance.

Ambry Genetics
Classification: Uncertain significance for Hereditary cancer-predisposing syndrome. Last evaluated: 2023-06-26. Review status: criteria provided, single submitter. Criteria: Ambry Variant Classification Scheme 2023. Collection method: clinical testing. Allele origin: germline.
Comment: The p.M158V variant (also known as c.472A>G), located in coding exon 5 of the SDHA gene, results from an A to G substitution at nucleotide position 472. The methionine at codon 158 is replaced by valine, an amino acid with highly similar properties. This amino acid position is highly conserved in available vertebrate species. In addition, this alteration is predicted to be deleterious by in silico analysis. Since supporting evidence is limited at this time, the clinical significance of this alteration remains unclear.